The following is an entry in ClinVar:

ClinVar aggregate classification (germline): Uncertain significance (1 of 4 stars; one submission).

Conditions:
Tuberous sclerosis 1 (TSC1). Identifiers: Orphanet 805, MedGen C1854465, MONDO:0008612, OMIM 191100.

gnomAD v4.1: 1 of 1,614,082 alleles (0.000062%); highest among the groups gnomAD compares: Non-Finnish European, 0.000085%; no homozygotes.

Submission:

Labcorp Genetics (formerly Invitae), Labcorp
Classification: Uncertain significance for Tuberous sclerosis 1. Last evaluated: 2022-05-04. Review status: criteria provided, single submitter. Criteria: Invitae Variant Classification Sherloc (09022015). Collection method: clinical testing. Allele origin: germline.
Comment: This variant has not been reported in the literature in individuals affected with TSC1-related conditions. This variant is not present in population databases (gnomAD no frequency). This sequence change replaces arginine, which is basic and polar, with leucine, which is neutral and non-polar, at codon 204 of the TSC1 protein (p.Arg204Leu). In summary, the available evidence is currently insufficient to determine the role of this variant in disease. Therefore, it has been classified as a Variant of Uncertain Significance. Algorithms developed to predict the effect of sequence changes on RNA splicing suggest that this variant may create or strengthen a splice site. Algorithms developed to predict the effect of missense changes on protein structure and function are either unavailable or do not agree on the potential impact of this missense change (SIFT: "Tolerated"; PolyPhen-2: "Probably Damaging"; Align-GVGD: "Class C0").

NM_000368.5(TSC1):c.611G>T (p.Arg204Leu)

Gene: TSC1 (TSC complex subunit 1; minus strand). Cytogenetic location: 9q34.13.
Variant type: single nucleotide variant.
Coding change: c.611G>T on transcript NM_000368.5 (MANE Select); coding-DNA position 611, G replaced by T.
Protein change: p.Arg204Leu; replaces arginine 204 with leucine.
Molecular consequence: missense variant.
Genome position (GRCh38, 1-based): chr9:132,921,871, C>A on the plus strand (G>T on the coding strand, the complement: TSC1 is on the minus strand). VCF-style: chr9-132921871-C-A. GRCh37 (hg19) VCF-style: chr9-135797258-C-A.
Other names: c.611G>T, p.Arg204Leu (NM_001162426.2, NM_001406592.1, NM_001406593.1 and 16 more transcripts); c.458G>T, p.Arg153Leu (NM_001162427.2, NM_001406610.1, NM_001406611.1 and 2 more transcripts); c.248G>T, p.Arg83Leu (NM_001362177.2, NM_001406614.1, NM_001406615.1 and 10 more transcripts); c.-267G>T (NM_001406626.1, NM_001406627.1, NM_001406628.1); c.-409G>T (NM_001406629.1); c.-483G>T (NM_001406630.1); short protein forms R153L, R204L, R83L.
Identifiers: ClinVar variation 2133914 (VCV002133914.4), dbSNP rs397514834, ClinGen allele CA375372464.